The following is an entry in ClinVar:

NM_005476.7(GNE):c.767C>T (p.Ala256Val)

Gene: GNE (glucosamine (UDP-N-acetyl)-2-epimerase/N-acetylmannosamine kinase; minus strand). Cytogenetic location: 9p13.3.
Variant type: single nucleotide variant.
Coding change: c.767C>T on transcript NM_005476.7 (MANE Select); coding-DNA position 767, C replaced by T.
Protein change: p.Ala256Val; replaces alanine 256 with valine.
Molecular consequence: missense variant. On other transcripts: intron variant (2).
Genome position (GRCh38, 1-based): chr9:36,236,834, G>A on the plus strand (C>T on the coding strand, the complement: GNE is on the minus strand). VCF-style: chr9-36236834-G-A. GRCh37 (hg19) VCF-style: chr9-36236831-G-A.
Other names: c.860C>T, p.Ala287Val (NM_001128227.3); c.767C>T, p.Ala256Val (NM_001190383.3); c.590C>T, p.Ala197Val (NM_001190388.2, NM_001374798.1); c.440-2702C>T (NM_001190384.3); c.617-2702C>T (NM_001374797.1); short protein forms A197V, A256V, A287V.
Identifiers: ClinVar variation 3769374 (VCV003769374.2).

ClinVar aggregate classification (germline): Uncertain significance (1 of 4 stars; one submission).

Submission:

Women's Health and Genetics/Laboratory Corporation of America, LabCorp
Classification: Uncertain significance. Last evaluated: 2025-01-28. Review status: criteria provided, single submitter. Criteria: LabCorp Variant Classification Summary - May 2015. Collection method: clinical testing. Allele origin: germline.
Comment: Variant summary: GNE c.860C>T (p.Ala287Val) results in a non-conservative amino acid change in the encoded protein sequence. Five of five in-silico tools predict a damaging effect of the variant on protein function. Several computational tools predict a significant impact on normal splicing: Two predict the variant weakens a 5' donor site. Two predict the variant creates a 5' donor site. However, these predictions have yet to be confirmed by functional studies. The variant was absent in 251376 control chromosomes (gnomAD). The available data on variant occurrences in the general population are insufficient to allow any conclusion about variant significance. c.860C>T has been reported in the literature in at least an individuals affected with GNE myopathy (example: Cerino_2015). These data do not allow any conclusion about variant significance. To our knowledge, no experimental evidence demonstrating an impact on protein function has been reported. The following publication has been ascertained in the context of this evaluation (PMID: 27858732). No submitters have cited clinical-significance assessments for this variant to ClinVar. Based on the evidence outlined above, the variant was classified as uncertain significance.

Literature cited by the submitters: PubMed 27858732.